The following is an entry in ClinVar:

NM_000169.3(GLA):c.202C>T (p.Leu68Phe)

Genes: GLA (galactosidase alpha; minus strand), RPL36A-HNRNPH2 (RPL36A-HNRNPH2 readthrough; plus strand). Cytogenetic location: Xq22.1.
Variant type: single nucleotide variant.
Coding change: c.202C>T on transcript NM_000169.3 (MANE Select); coding-DNA position 202, C replaced by T.
Protein change: p.Leu68Phe; replaces leucine 68 with phenylalanine.
Molecular consequence: missense variant. On other transcripts: non-coding transcript variant (3), intron variant (2).
Genome position (GRCh38, 1-based): chrX:101,403,978, G>A on the plus strand (C>T on the coding strand, the complement: GLA is on the minus strand). VCF-style: chrX-101403978-G-A. GRCh37 (hg19) VCF-style: chrX-100658966-G-A.
Other names: c.325C>T, p.Leu109Phe (NM_001406747.1, NM_001406749.1); c.202C>T, p.Leu68Phe (NM_001406748.1); c.301-7958G>A (NM_001199973.2); c.178-7958G>A (NM_001199974.2); short protein forms L68F, L109F.
Identifiers: ClinVar variation 855220 (VCV000855220.14), dbSNP rs1928411447, ClinGen allele CA413934691.

ClinVar aggregate classification (germline): Pathogenic/Likely pathogenic. Review status: criteria provided, multiple submitters, no conflicts (2 of 4 stars). 3 submissions from 3 submitters: Pathogenic (1); Likely pathogenic (2). Last evaluated 2026-09-08.

Conditions:
Cardiovascular phenotype. Identifiers: MedGen CN230736.
Fabry disease. Also called: GLA DEFICIENCY; HEREDITARY DYSTOPIC LIPIDOSIS; Fabry's disease; Angiokeratoma corporis diffusum; ALPHA-GALACTOSIDASE A DEFICIENCY; ANDERSON-FABRY DISEASE. Identifiers: Orphanet 324, MedGen C0002986, MONDO:0010526, OMIM 301500, HP:0001071. Disease mechanism: loss of function, Fabry disease is due to inactivating mutations in the X-linked GLA gene resulting in deficiency of the enzyme Alpha Galactosidase-A..

Submissions (3):

Genomenon, Inc
Classification: Likely pathogenic for Fabry disease. Last evaluated: 2026-09-08. Review status: criteria provided, single submitter. Criteria: Genomenon Sequence Variant Interpretation Standards - Updated. Collection method: curation. Allele origin: germline. Affected: yes.
Comment: GLA p.Leu68Phe (c.202C>T) is a missense variant that changes the amino acid at codon 68 from Leucine to Phenylalanine. This variant has been observed in at least one proband with clinical features consistent with Fabry disease (PMID:29543226;31649303;12175777). At least one functional study has demonstrated a substantial alteration in protein function relative to the wild-type (PMID:32023956;27657681). It is absent or not present at a significant frequency in gnomAD. In silico models predict that this variant is possibly or probably damaging. In conclusion, we classify GLA p.Leu68Phe (c.202C>T) as a likely pathogenic variant.

Labcorp Genetics (formerly Invitae), Labcorp
Classification: Likely pathogenic for Fabry disease. Last evaluated: 2025-04-27. Review status: criteria provided, single submitter. Criteria: Invitae Variant Classification Sherloc (09022015). Collection method: clinical testing. Allele origin: germline.
Comment: This sequence change replaces leucine, which is neutral and non-polar, with phenylalanine, which is neutral and non-polar, at codon 68 of the GLA protein (p.Leu68Phe). This variant is not present in population databases (gnomAD no frequency). This missense change has been observed in individual(s) with Fabry disease (PMID: 12175777, 29543226; internal data). ClinVar contains an entry for this variant (Variation ID: 855220). Invitae Evidence Modeling of protein sequence and biophysical properties (such as structural, functional, and spatial information, amino acid conservation, physicochemical variation, residue mobility, and thermodynamic stability) indicates that this missense variant is expected to disrupt GLA protein function with a positive predictive value of 80%. Experimental studies have shown that this missense change affects GLA function (PMID: 23935525). This variant disrupts the p.Leu68 amino acid residue in GLA. Other variant(s) that disrupt this residue have been observed in individuals with GLA-related conditions (PMID: 36140787), which suggests that this may be a clinically significant amino acid residue. In summary, the currently available evidence indicates that the variant is pathogenic, but additional data are needed to prove that conclusively. Therefore, this variant has been classified as Likely Pathogenic.

Ambry Genetics
Classification: Pathogenic for Cardiovascular phenotype. Last evaluated: 2022-03-31. Review status: criteria provided, single submitter. Criteria: Ambry Variant Classification Scheme 2023. Collection method: clinical testing. Allele origin: germline.
Comment: The p.L68F pathogenic mutation (also known as c.202C>T), located in coding exon 2 of the GLA gene, results from a C to T substitution at nucleotide position 202. The leucine at codon 68 is replaced by phenylalanine, an amino acid with highly similar properties. This variant has been reported in multiple individuals with Fabry disease (Shabbeer J et al. Mol Genet Metab, 2002 May;76:23-30; Maruyama H et al. Genet Med, 2019 01;21:44-52; Xiao K et al. Sci Rep, 2019 10;9:15277). Functional studies indicate that this variant disrupts GLA activity (Lukas J et al. PLoS Genet, 2013 Aug;9:e1003632; Lukas J et al. Int J Mol Sci, 2020 Jan;21). This variant is considered to be rare based on population cohorts in the Genome Aggregation Database (gnomAD). In addition, this alteration is predicted to be deleterious by in silico analysis. Based on the supporting evidence, this alteration is interpreted as a disease-causing mutation.

Literature cited by the submitters: PubMed 29543226 (cited by 3 submitters); PubMed 31649303 (cited by Genomenon, Inc and Ambry Genetics); PubMed 12175777 (cited by 3 submitters); PubMed 32023956 (cited by Genomenon, Inc and Ambry Genetics); PubMed 27657681 (cited by Genomenon, Inc); PubMed 23935525 (cited by Labcorp Genetics (formerly Invitae), Labcorp and Ambry Genetics); PubMed 36140787 (cited by Labcorp Genetics (formerly Invitae), Labcorp); PubMed 15712228 (cited by Ambry Genetics); PubMed 32583479 (cited by Ambry Genetics); PubMed 34205365 (cited by Ambry Genetics).